The following is an entry in ClinVar:

ClinVar aggregate classification (germline): Uncertain significance. Review status: criteria provided, multiple submitters, no conflicts (2 of 4 stars). 2 submissions from 2 submitters: Uncertain significance (2). Last evaluated 2025-10-29.

gnomAD v4.1: 16 of 1,613,940 alleles (0.00099%); highest among the groups gnomAD compares: Non-Finnish European, 0.0013%; no homozygotes.

Submissions (2):

Women's Health and Genetics/Laboratory Corporation of America, LabCorp
Classification: Uncertain significance. Last evaluated: 2025-10-29. Review status: criteria provided, single submitter. Criteria: LabCorp Variant Classification Summary - May 2015. Collection method: clinical testing. Allele origin: germline.
Comment: Variant summary: CD96 c.76A>G (p.Thr26Ala) results in a non-conservative amino acid change in the encoded protein sequence. Algorithms developed to predict the effect of missense changes on protein structure and function are either unavailable or do not agree on the potential impact of this missense change. The variant allele was found at a frequency of 4e-06 in 250886 control chromosomes. The available data on variant occurrences in the general population are insufficient to allow any conclusion about variant significance. To our knowledge, no occurrence of c.76A>G in individuals affected with CD96-related conditions and no experimental evidence demonstrating its impact on protein function have been reported. ClinVar contains an entry for this variant (Variation ID: 4223097). Based on the evidence outlined above, the variant was classified as uncertain significance.

Ambry Genetics
Classification: Uncertain significance. Last evaluated: 2025-08-09. Review status: criteria provided, single submitter. Criteria: Ambry Variant Classification Scheme 2023. Collection method: clinical testing. Allele origin: germline.

NM_005816.5(CD96):c.76A>G (p.Thr26Ala)

Gene: CD96 (CD96 molecule; plus strand). Cytogenetic location: 3q13.13.
Variant type: single nucleotide variant.
Coding change: c.76A>G on transcript NM_005816.5 (MANE Select); coding-DNA position 76, A replaced by G.
Protein change: p.Thr26Ala; replaces threonine 26 with alanine.
Molecular consequence: missense variant. On other transcripts: non-coding transcript variant (1).
Genome position (GRCh38, 1-based): chr3:111,545,060, A>G. VCF-style: chr3-111545060-A-G. GRCh37 (hg19) VCF-style: chr3-111263907-A-G.
Other names: c.76A>G, p.Thr26Ala (NM_001318889.2, NM_001410800.1, NM_198196.3); short protein forms T26A.
Identifiers: ClinVar variation 4223097 (VCV004223097.2).